The following is an entry in ClinVar:

ClinVar aggregate classification (germline): Conflicting classifications of pathogenicity. Review status: criteria provided, conflicting classifications (1 of 4 stars). 5 submissions from 5 submitters: Uncertain significance (4); Likely benign (1). Last evaluated 2024-08-01.

Conditions:
Breast-ovarian cancer, familial, susceptibility to, 5 (BROVCA5). Identifiers: OMIM 620442, MedGen C5830615, MONDO:0957530.
Hereditary cancer-predisposing syndrome. Also called: Neoplastic Syndromes, Hereditary; Hereditary neoplastic syndrome; Hereditary Cancer Syndrome; Tumor predisposition. Identifiers: Orphanet 140162, MedGen C0027672, MeSH D009386, MONDO:0015356.
Familial cancer of breast. Also called: BREAST CANCER, FAMILIAL; hereditary breast carcinoma; Hereditary breast cancer. Identifiers: Orphanet 227535, MedGen C0346153, MONDO:0016419, OMIM 114480. Disease mechanism: loss of function.

Allele frequency attached by ClinVar (database versions not stated): TOPMed below 0.00001; gnomAD 0.00001; gnomAD exomes 0.00001; 1000 Genomes Project 30x 0.00016; 1000 Genomes Project 0.00020.
gnomAD v4.1: 3 of 1,613,864 alleles (0.00019%); highest among the groups gnomAD compares: South Asian, 0.0033%; no homozygotes.

Submissions (5):

Ambry Genetics
Classification: Likely benign for Hereditary cancer-predisposing syndrome. Last evaluated: 2024-08-01. Review status: criteria provided, single submitter. Criteria: Ambry Variant Classification Scheme 2023. Collection method: clinical testing. Allele origin: germline.

Color Diagnostics, LLC DBA Color Health
Classification: Uncertain significance for Hereditary cancer-predisposing syndrome. Last evaluated: 2023-12-05. Review status: criteria provided, single submitter. Criteria: ACMG Guidelines, 2015. Collection method: clinical testing. Allele origin: germline.
Comment: This missense variant replaces arginine with lysine at codon 40 of the PALB2 protein. Computational prediction suggests that this variant may not impact protein structure and function (internally defined REVEL score threshold <= 0.5, PMID: 27666373). To our knowledge, functional studies have not been reported for this variant. This variant has not been reported in individuals affected with PALB2-related disorders in the literature. This variant has been identified in 2/251464 chromosomes in the general population by the Genome Aggregation Database (gnomAD). The available evidence is insufficient to determine the role of this variant in disease conclusively. Therefore, this variant is classified as a Variant of Uncertain Significance.

Labcorp Genetics (formerly Invitae), Labcorp
Classification: Uncertain significance for Familial cancer of breast. Last evaluated: 2022-11-10. Review status: criteria provided, single submitter. Criteria: Invitae Variant Classification Sherloc (09022015). Collection method: clinical testing. Allele origin: germline.
Comment: This sequence change replaces arginine, which is basic and polar, with lysine, which is basic and polar, at codon 40 of the PALB2 protein (p.Arg40Lys). This variant is present in population databases (rs573118236, gnomAD 0.003%). This variant has not been reported in the literature in individuals affected with PALB2-related conditions. ClinVar contains an entry for this variant (Variation ID: 449888). Algorithms developed to predict the effect of missense changes on protein structure and function output the following: SIFT: "Tolerated"; PolyPhen-2: "Possibly Damaging"; Align-GVGD: "Class C0". The lysine amino acid residue is found in multiple mammalian species, which suggests that this missense change does not adversely affect protein function. In summary, the available evidence is currently insufficient to determine the role of this variant in disease. Therefore, it has been classified as a Variant of Uncertain Significance.

GeneDx
Classification: Uncertain significance. Last evaluated: 2017-03-23. Review status: criteria provided, single submitter. Criteria: GeneDx Variant Classification (06012015). Collection method: clinical testing. Allele origin: germline. Affected: yes.
Comment: This variant is denoted PALB2 c.119G>A at the cDNA level, p.Arg40Lys (R40K) at the protein level, and results in the change of an Arginine to a Lysine (AGA>AAA). This variant has not, to our knowledge, been published in the literature as pathogenic or benign. PALB2 Arg40Lys was not observed at a significant frequency in large population cohorts (NHLBI Exome Sequencing Project, The 1000 Genomes Consortium 2015, Lek 2016). Since Arginine and Lysine share similar properties, this is considered a conservative amino acid substitution. PALB2 Arg40Lys occurs at a position that is not conserved and is located in DNA binding domain as well as the region of interaction with RAD51 and BRCA1, which is required for its oligomerization and focal concentration at DNA damage sites (UniProt). In silico analyses are inconsistent regarding the effect this variant may have on protein structure and function. Based on currently available evidence, it is unclear whether PALB2 Arg40Lys is a pathogenic or benign variant. We consider it to be a variant of uncertain significance.

Neuberg Centre For Genomic Medicine, NCGM
Classification: Uncertain significance for Breast-ovarian cancer, familial, susceptibility to, 5. Review status: criteria provided, single submitter. Criteria: ACMG Guidelines, 2015. Collection method: clinical testing. Allele origin: germline. Inheritance: Autosomal dominant inheritance. Affected: yes.
Comment: The missense c.119G>A(p.Arg40Lys) variant in PALB2 gene has not been reported previously as a pathogenic variant nor as a benign variant, to our knowledge. The variant is reported with an allele frequency of 0.0008% in the gnomAD exomes database and is novel (not in any individuals) in 1000 Genomes database. This variant has been reported to the ClinVar database as Uncertain Significance (multiple submission). The amino acid change p.Arg40Lys in PALB2 is predicted as conserved by GERP++ and PhyloP across 100 vertebrates. The amino acid Arg at position 40 is changed to a Lys changing protein sequence and it might alter its composition and physico-chemical properties. For these reasons, this variant has been classified as Variant of Uncertain Significance (VUS).

NM_024675.4(PALB2):c.119G>A (p.Arg40Lys)

Gene: PALB2 (partner and localizer of BRCA2; minus strand). Cytogenetic location: 16p12.2.
Variant type: single nucleotide variant.
Coding change: c.119G>A on transcript NM_024675.4 (MANE Select); coding-DNA position 119, G replaced by A.
Protein change: p.Arg40Lys; replaces arginine 40 with lysine.
Molecular consequence: missense variant.
Genome position (GRCh38, 1-based): chr16:23,637,942, C>T on the plus strand (G>A on the coding strand, the complement: PALB2 is on the minus strand). VCF-style: chr16-23637942-C-T. GRCh37 (hg19) VCF-style: chr16-23649263-C-T.
Other names: short protein forms R40K.
Identifiers: ClinVar variation 449888 (VCV000449888.23), dbSNP rs573118236, ClinGen allele CA279501900.